The following is an entry in ClinVar:

NM_198576.4(AGRN):c.5456C>T (p.Thr1819Ile)

Gene: AGRN (agrin; plus strand). Cytogenetic location: 1p36.33.
Variant type: single nucleotide variant.
Coding change: c.5456C>T on transcript NM_198576.4 (MANE Select); coding-DNA position 5456, C replaced by T.
Protein change: p.Thr1819Ile; replaces threonine 1819 with isoleucine.
Molecular consequence: missense variant.
Genome position (GRCh38, 1-based): chr1:1,051,538, C>T. VCF-style: chr1-1051538-C-T. GRCh37 (hg19) VCF-style: chr1-986918-C-T.
Other names: c.5468C>T, p.Thr1823Ile (NM_001305275.2); c.5153C>T, p.Thr1718Ile (NM_001364727.2); short protein forms T1819I, T1823I, T1718I.
Identifiers: ClinVar variation 575706 (VCV000575706.7), dbSNP rs72900459, ClinGen allele CA510039.
Genomic context (GRCh38, chr1:1,051,538, plus strand): 5'-TGACCCCGGAGCACGTGCTGCGGCAGGTGGACGTCACGTCCTTTGCAGGTCACCCCTGCA[C>T]CCGGGCCTCAGGCCACCCCTGCCTCAATGGGGCCTCCTGCGTCCCGAGGGAGGCTGCCTA-3'
Protein context (NP_940978.2, residues 1809-1829): DVTSFAGHPC[Thr1819Ile]RASGHPCLNG

ClinVar aggregate classification (germline): Uncertain significance. Review status: criteria provided, multiple submitters, no conflicts (2 of 4 stars). 2 submissions from 2 submitters: Uncertain significance (2). Last evaluated 2025-06-27.

Conditions:
Congenital myasthenic syndrome 8. Also called: Myasthenic syndrome, congenital, 8, with pre- and postsynaptic defects; MYASTHENIC SYNDROME, CONGENITAL, DUE TO AGRIN DEFICIENCY. Identifiers: Orphanet 590, MedGen C3808739, MONDO:0014052, OMIM 615120.

Allele frequency attached by ClinVar (database versions not stated): ESP Exome Variant Server 0.00047; 1000 Genomes Project 0.00140; TOPMed 0.00048; 1000 Genomes Project 30x 0.00109.
gnomAD v4.1: 124 of 1,567,284 alleles (0.0079%); highest among the groups gnomAD compares: African/African-American, 0.15%; no homozygotes.

Submissions (2):

Clinical Genomics Laboratory, Washington University in St. Louis
Classification: Uncertain significance for Congenital myasthenic syndrome 8. Last evaluated: 2025-06-27. Review status: criteria provided, single submitter. Criteria: ACMG Guidelines, 2015. Collection method: clinical testing. Allele origin: germline.
Comment: The AGRN c.5456C>T (p.Thr1819Ile) variant, to our knowledge, has not been reported in the medical literature. This variant has been reported in the ClinVar database as germline variant of uncertain significance by one submitter. The highest population minor allele frequency in the population database genome aggregation database (v.2.1.1) is 0.18% in the African population. Computational predictors suggest that the variant does not impact AGRN function. Due to limited information, and based on ACMG/AMP guidelines for variant interpretation (Richards S et al., PMID: 25741868), the clinical significance of this variant is uncertain at this time.

Labcorp Genetics (formerly Invitae), Labcorp
Classification: Uncertain significance for Congenital myasthenic syndrome 8. Last evaluated: 2022-03-08. Review status: criteria provided, single submitter. Criteria: Invitae Variant Classification Sherloc (09022015). Collection method: clinical testing. Allele origin: germline.
Comment: This sequence change replaces threonine, which is neutral and polar, with isoleucine, which is neutral and non-polar, at codon 1819 of the AGRN protein (p.Thr1819Ile). This variant is present in population databases (rs72900459, gnomAD 0.2%). This variant has not been reported in the literature in individuals affected with AGRN-related conditions. ClinVar contains an entry for this variant (Variation ID: 575706). Algorithms developed to predict the effect of missense changes on protein structure and function are either unavailable or do not agree on the potential impact of this missense change (SIFT: "Deleterious"; PolyPhen-2: "Probably Damaging"; Align-GVGD: "Class C0"). In summary, the available evidence is currently insufficient to determine the role of this variant in disease. Therefore, it has been classified as a Variant of Uncertain Significance.